The following is an entry in ClinVar:

NM_000256.3(MYBPC3):c.2314C>G (p.Pro772Ala)

Gene: MYBPC3 (myosin binding protein C3; minus strand). Cytogenetic location: 11p11.2.
Variant type: single nucleotide variant.
Coding change: c.2314C>G on transcript NM_000256.3 (MANE Select); coding-DNA position 2314, C replaced by G.
Protein change: p.Pro772Ala; replaces proline 772 with alanine.
Molecular consequence: missense variant.
Genome position (GRCh38, 1-based): chr11:47,337,789, G>C on the plus strand (C>G on the coding strand, the complement: MYBPC3 is on the minus strand). VCF-style: chr11-47337789-G-C. GRCh37 (hg19) VCF-style: chr11-47359340-G-C.
Other names: short protein forms P772A.
Identifiers: ClinVar variation 4114320 (VCV004114320.1).

ClinVar aggregate classification (germline): Uncertain significance (1 of 4 stars; one submission).

Conditions:
Cardiovascular phenotype. Identifiers: MedGen CN230736.

Submission:

Ambry Genetics
Classification: Uncertain significance for Cardiovascular phenotype. Last evaluated: 2025-06-15. Review status: criteria provided, single submitter. Criteria: Ambry Variant Classification Scheme 2023. Collection method: clinical testing. Allele origin: germline.
Comment: The p.P772A variant (also known as c.2314C>G), located in coding exon 24 of the MYBPC3 gene, results from a C to G substitution at nucleotide position 2314. The proline at codon 772 is replaced by alanine, an amino acid with highly similar properties. This amino acid position is conserved. In addition, this alteration is predicted to be deleterious by in silico analysis. Based on the available evidence, the clinical significance of this variant remains unclear.